The following is an entry in ClinVar:

NM_001004334.4(GPR179):c.3598C>T (p.Leu1200Phe)

Gene: GPR179 (G protein-coupled receptor 179; minus strand). Cytogenetic location: 17q12.
Variant type: single nucleotide variant.
Coding change: c.3598C>T on transcript NM_001004334.4 (MANE Select); coding-DNA position 3598, C replaced by T.
Protein change: p.Leu1200Phe; replaces leucine 1200 with phenylalanine.
Molecular consequence: missense variant.
Genome position (GRCh38, 1-based): chr17:38,329,971, G>A on the plus strand (C>T on the coding strand, the complement: GPR179 is on the minus strand). VCF-style: chr17-38329971-G-A. GRCh37 (hg19) VCF-style: chr17-36485854-G-A.
Other names: c.3598C>T (NM_001004334.2); short protein forms L1200F.
Identifiers: ClinVar variation 1917274 (VCV001917274.4), dbSNP rs757597594, ClinGen allele CA290104956.

ClinVar aggregate classification (germline): Uncertain significance. Review status: criteria provided, multiple submitters, no conflicts (2 of 4 stars). 2 submissions from 2 submitters: Uncertain significance (2). Last evaluated 2024-06-05.

Conditions:
Inborn genetic diseases. Identifiers: MedGen C0950123, MeSH D030342.

Allele frequency attached by ClinVar (database versions not stated): gnomAD exomes below 0.00001; TOPMed below 0.00001; ExAC 0.00001.
gnomAD v4.1: 4 of 1,614,212 alleles (0.00025%); highest among the groups gnomAD compares: Admixed American, 0.0017%; no homozygotes.

Submissions (2):

Ambry Genetics
Classification: Uncertain significance for Inborn genetic diseases. Last evaluated: 2024-06-05. Review status: criteria provided, single submitter. Criteria: Ambry Variant Classification Scheme 2023. Collection method: clinical testing. Allele origin: germline.

Labcorp Genetics (formerly Invitae), Labcorp
Classification: Uncertain significance. Last evaluated: 2022-08-23. Review status: criteria provided, single submitter. Criteria: Invitae Variant Classification Sherloc (09022015). Collection method: clinical testing. Allele origin: germline.
Comment: In summary, the available evidence is currently insufficient to determine the role of this variant in disease. Therefore, it has been classified as a Variant of Uncertain Significance. Algorithms developed to predict the effect of sequence changes on RNA splicing suggest that this variant may create or strengthen a splice site. Algorithms developed to predict the effect of missense changes on protein structure and function output the following: SIFT: "Tolerated"; PolyPhen-2: "Benign"; Align-GVGD: "Class C0". The phenylalanine amino acid residue is found in multiple mammalian species, which suggests that this missense change does not adversely affect protein function. This variant has not been reported in the literature in individuals affected with GPR179-related conditions. This variant is present in population databases (rs757597594, gnomAD 0.006%). This sequence change replaces leucine, which is neutral and non-polar, with phenylalanine, which is neutral and non-polar, at codon 1200 of the GPR179 protein (p.Leu1200Phe).